The following is an entry in ClinVar:

NM_002778.4(PSAP):c.251A>T (p.Glu84Val)

Gene: PSAP (prosaposin; minus strand). Cytogenetic location: 10q22.1.
Variant type: single nucleotide variant.
Coding change: c.251A>T on transcript NM_002778.4 (MANE Select); coding-DNA position 251, A replaced by T.
Protein change: p.Glu84Val; replaces glutamic acid 84 with valine.
Molecular consequence: missense variant.
Genome position (GRCh38, 1-based): chr10:71,831,250, T>A on the plus strand (A>T on the coding strand, the complement: PSAP is on the minus strand). VCF-style: chr10-71831250-T-A. GRCh37 (hg19) VCF-style: chr10-73591007-T-A.
Other names: c.251A>T, p.Glu84Val (NM_001042465.3, NM_001042466.3); short protein forms E84V.
Identifiers: ClinVar variation 2113431 (VCV002113431.4), dbSNP rs1842509246, ClinGen allele CA377154070.

ClinVar aggregate classification (germline): Uncertain significance (1 of 4 stars; one submission).

Conditions:
Sphingolipid activator protein 1 deficiency. Also called: METACHROMATIC LEUKODYSTROPHY DUE TO CEREBROSIDE SULFATASE ACTIVATOR DEFICIENCY; Metachromatic leukodystrophy due to saposin B deficiency; Saposin B Deficiency. Identifiers: Orphanet 512, MedGen C0268262, MONDO:0009590, OMIM 249900.

Submission:

Labcorp Genetics (formerly Invitae), Labcorp
Classification: Uncertain significance for Sphingolipid activator protein 1 deficiency. Last evaluated: 2022-03-18. Review status: criteria provided, single submitter. Criteria: Invitae Variant Classification Sherloc (09022015). Collection method: clinical testing. Allele origin: germline.
Comment: This sequence change replaces glutamic acid, which is acidic and polar, with valine, which is neutral and non-polar, at codon 84 of the PSAP protein (p.Glu84Val). This variant is not present in population databases (gnomAD no frequency). This variant has not been reported in the literature in individuals affected with PSAP-related conditions. Algorithms developed to predict the effect of missense changes on protein structure and function are either unavailable or do not agree on the potential impact of this missense change (SIFT: "Not Available"; PolyPhen-2: "Benign"; Align-GVGD: "Not Available"). In summary, the available evidence is currently insufficient to determine the role of this variant in disease. Therefore, it has been classified as a Variant of Uncertain Significance.